The following is an entry in ClinVar:

ClinVar aggregate classification (germline): Uncertain significance (1 of 4 stars; one submission).

Conditions:
Developmental and epileptic encephalopathy, 72. Also called: EPILEPTIC ENCEPHALOPATHY, EARLY INFANTILE, 72. Identifiers: MedGen C5193063, MONDO:0032710, OMIM 618374.

Submission:

Institute of Human Genetics, University of Leipzig Medical Center
Classification: Uncertain significance for Developmental and epileptic encephalopathy, 72. Last evaluated: 2023-05-02. Review status: criteria provided, single submitter. Criteria: ACMG Guidelines, 2015. Collection method: clinical testing. Allele origin: unknown. Inheritance: Autosomal dominant inheritance. Affected: yes.
Comment: Criteria applied: PM5,PM2_SUP,PP3

NM_006160.4(NEUROD2):c.400A>G (p.Met134Val)

Gene: NEUROD2 (neuronal differentiation 2; minus strand). Cytogenetic location: 17q12.
Variant type: single nucleotide variant.
Coding change: c.400A>G on transcript NM_006160.4 (MANE Select); coding-DNA position 400, A replaced by G.
Protein change: p.Met134Val; replaces methionine 134 with valine.
Molecular consequence: missense variant.
Genome position (GRCh38, 1-based): chr17:39,606,200, T>C on the plus strand (A>G on the coding strand, the complement: NEUROD2 is on the minus strand). VCF-style: chr17-39606200-T-C. GRCh37 (hg19) VCF-style: chr17-37762453-T-C.
Other names: short protein forms M134V.
Identifiers: ClinVar variation 2502367 (VCV002502367.3), dbSNP rs2545858339, ClinGen allele CA399258554.